The following is an entry in ClinVar:

ClinVar aggregate classification (germline): Uncertain significance (0 of 4 stars; one submission).

Conditions:
DDR2-related disorder. Also called: DDR2-related condition.

Submission:

PreventionGenetics, part of Exact Sciences
Classification: Uncertain significance for DDR2-related condition. Last evaluated: 2024-02-13. Review status: no assertion criteria provided. Collection method: clinical testing. Allele origin: germline.
Comment: The DDR2 c.1379C>T variant is predicted to result in the amino acid substitution p.Ser460Leu. To our knowledge, this variant has not been reported in the literature or in a large population database, indicating this variant is rare. At this time, the clinical significance of this variant is uncertain due to the absence of conclusive functional and genetic evidence.

NM_006182.4(DDR2):c.1379C>T (p.Ser460Leu)

Gene: DDR2 (discoidin domain receptor tyrosine kinase 2; plus strand). Cytogenetic location: 1q23.3.
Variant type: single nucleotide variant.
Coding change: c.1379C>T on transcript NM_006182.4 (MANE Select); coding-DNA position 1379, C replaced by T.
Protein change: p.Ser460Leu; replaces serine 460 with leucine.
Molecular consequence: missense variant.
Genome position (GRCh38, 1-based): chr1:162,770,387, C>T. VCF-style: chr1-162770387-C-T. GRCh37 (hg19) VCF-style: chr1-162740177-C-T.
Other names: c.1379C>T, p.Ser460Leu (NM_001014796.3, NM_001354982.2, NM_001354983.2); short protein forms S460L.
Identifiers: ClinVar variation 3033747 (VCV003033747.2), dbSNP rs2524974750, ClinGen allele CA343411066.